The following is an entry in ClinVar:

ClinVar aggregate classification (germline): Likely pathogenic (1 of 4 stars; one submission).

Conditions:
O'Donnell-Luria-Rodan syndrome (ODLURO). Also called: KMT2E-Related Neurodevelopmental Disorder. Identifiers: MedGen C5193138, MONDO:0032793, OMIM 618512.

gnomAD v4.1: 1 of 1,614,092 alleles (0.000062%); no homozygotes.

Submission:

Institute of Human Genetics, University of Leipzig Medical Center
Classification: Likely pathogenic for O'Donnell-Luria-Rodan syndrome. Last evaluated: 2020-12-18. Review status: criteria provided, single submitter. Criteria: ACMG Guidelines, 2015. Collection method: clinical testing. Allele origin: paternal. Inheritance: Autosomal dominant inheritance. Affected: yes.
Comment: Criteria applied: PVS1,PM2,BS2

NM_182931.3(KMT2E):c.3970+1G>T

Gene: KMT2E (lysine methyltransferase 2E (inactive); plus strand). Cytogenetic location: 7q22.3.
Variant type: single nucleotide variant.
Coding change: c.3970+1G>T on transcript NM_182931.3 (MANE Select); the canonical splice donor site of the intron after coding-DNA position 3970, G replaced by T.
Molecular consequence: splice donor variant. On other transcripts: intron variant (1).
Genome position (GRCh38, 1-based): chr7:105,110,603, G>T. VCF-style: chr7-105110603-G-T. GRCh37 (hg19) VCF-style: chr7-104751050-G-T.
Other names: c.3845-168G>T (NM_001410908.1); c.3970+1G>T (NM_018682.4).
Identifiers: ClinVar variation 3359091 (VCV003359091.2).